The following is an entry in ClinVar:

ClinVar aggregate classification (germline): Uncertain significance (1 of 4 stars; one submission).

Conditions:
Leukocyte adhesion deficiency 1 (LAD1). Also called: LEUKOCYTE ADHESION DEFICIENCY, TYPE I; LAD 1; Lymphocyte function-associated antigen 1 immunodeficiency; LFA 1 immunodeficiency. Identifiers: Orphanet 2968, Orphanet 99842, MedGen C0398738, MONDO:0007293, OMIM 116920.

Allele frequency attached by ClinVar (database versions not stated): gnomAD 0.00001 and 0.00002; gnomAD exomes 0.00001 and 0.00002; TOPMed 0.00002.
gnomAD v4.1: 29 of 1,613,996 alleles (0.0018%); highest among the groups gnomAD compares: Non-Finnish European, 0.0025%; no homozygotes.

Submission:

Labcorp Genetics (formerly Invitae), Labcorp
Classification: Uncertain significance for Leukocyte adhesion deficiency 1. Last evaluated: 2021-08-27. Review status: criteria provided, single submitter. Criteria: Invitae Variant Classification Sherloc (09022015). Collection method: clinical testing. Allele origin: germline.
Comment: This sequence change replaces methionine with valine at codon 79 of the ITGB2 protein (p.Met79Val). The methionine residue is highly conserved and there is a small physicochemical difference between methionine and valine. This variant is not present in population databases (ExAC no frequency). This variant has not been reported in the literature in individuals affected with ITGB2-related conditions. Algorithms developed to predict the effect of missense changes on protein structure and function output the following: SIFT: "Tolerated"; PolyPhen-2: "Benign"; Align-GVGD: "Class C0". The valine amino acid residue is found in multiple mammalian species, which suggests that this missense change does not adversely affect protein function. In summary, the available evidence is currently insufficient to determine the role of this variant in disease. Therefore, it has been classified as a Variant of Uncertain Significance.

NM_000211.5(ITGB2):c.235A>G (p.Met79Val)

Gene: ITGB2 (integrin subunit beta 2; minus strand). Cytogenetic location: 21q22.3.
Variant type: single nucleotide variant.
Coding change: c.235A>G on transcript NM_000211.5 (MANE Select); coding-DNA position 235, A replaced by G.
Protein change: p.Met79Val; replaces methionine 79 with valine.
Molecular consequence: missense variant.
Genome position (GRCh38, 1-based): chr21:44,907,008, T>C on the plus strand (A>G on the coding strand, the complement: ITGB2 is on the minus strand). VCF-style: chr21-44907008-T-C. GRCh37 (hg19) VCF-style: chr21-46326923-T-C.
Other names: c.235A>G, p.Met79Val (NM_001127491.3); c.28A>G, p.Met10Val (NM_001303238.2); short protein forms M79V, M10V.
Identifiers: ClinVar variation 844670 (VCV000844670.9), dbSNP rs932194440, ClinGen allele CA321853204.